The following is an entry in ClinVar:

ClinVar aggregate classification (germline): Pathogenic (1 of 4 stars; one submission).

Submission:

Labcorp Genetics (formerly Invitae), Labcorp
Classification: Pathogenic. Last evaluated: 2023-08-02. Review status: criteria provided, single submitter. Criteria: Invitae Variant Classification Sherloc (09022015). Collection method: clinical testing. Allele origin: unknown.
Comment: For these reasons, this variant has been classified as Pathogenic. This variant has not been reported in the literature in individuals affected with LIFR-related conditions. This variant is a gross deletion of the genomic region encompassing exon(s) 3-5 of the LIFR gene. This deletion is out-of-frame, and is expected to create a premature termination codon and result in an absent or disrupted protein product. Loss-of-function variants in LIFR are known to be pathogenic (PMID: 14740318).

Literature cited by the submitters: PubMed 14740318.

NC_000005.9:g.(?_38523501)_(38528957_?)del

Gene: LIFR (LIF receptor subunit alpha; minus strand). Cytogenetic location: 5p13.1.
Variant type: Deletion.
Identifiers: ClinVar variation 3246481 (VCV003246481.1).